The following is an entry in ClinVar:

NM_001321571.2(CAMK2D):c.260A>G (p.Tyr87Cys)

Gene: CAMK2D (calcium/calmodulin dependent protein kinase II delta; minus strand). Cytogenetic location: 4q26.
Variant type: single nucleotide variant.
Coding change: c.260A>G on transcript NM_001321571.2 (MANE Select); coding-DNA position 260, A replaced by G.
Protein change: p.Tyr87Cys; replaces tyrosine 87 with cysteine.
Molecular consequence: missense variant. On other transcripts: 5 prime UTR variant (5).
Genome position (GRCh38, 1-based): chr4:113,609,167, T>C on the plus strand (A>G on the coding strand, the complement: CAMK2D is on the minus strand). VCF-style: chr4-113609167-T-C. GRCh37 (hg19) VCF-style: chr4-114530323-T-C.
Other names: c.260A>G, p.Tyr87Cys (NM_001221.4, NM_001321566.2, NM_001321567.2 and 33 more transcripts); c.-256A>G (NM_001321578.2); c.143A>G, p.Tyr48Cys (NM_001321581.2, NM_001399859.1, NM_001399860.1 and 2 more transcripts); c.-329A>G (NM_001321585.2, NM_001399865.1); c.-201A>G (NM_001399863.1, NM_001399864.1); short protein forms Y48C, Y87C.
Identifiers: ClinVar variation 3358941 (VCV003358941.2).

ClinVar aggregate classification (germline): Uncertain significance (1 of 4 stars; one submission).

Conditions:
CAMK2D-associated neurodevelopmental disorder.

gnomAD v4.1: 1 of 1,579,644 alleles (0.000063%); highest among the groups gnomAD compares: Non-Finnish European, 0.000087%; no homozygotes.

Submission:

Institute of Human Genetics, University of Leipzig Medical Center
Classification: Uncertain significance for CAMK2D-associated neurodevelopmental disorder. Last evaluated: 2024-05-10. Review status: criteria provided, single submitter. Criteria: ACMG Guidelines, 2015. Collection method: clinical testing. Allele origin: unknown. Inheritance: Autosomal dominant inheritance. Affected: yes.
Comment: Criteria applied: PM2_SUP,PP2